The following is an entry in ClinVar:

ClinVar aggregate classification (germline): Uncertain significance (1 of 4 stars; one submission).

Conditions:
Renal tubular acidosis, distal, 3, with or without sensorineural hearing loss (DRTA3). Identifiers: MedGen C5399980, MONDO:0011268, OMIM 602722.

Allele frequency attached by ClinVar (database versions not stated): gnomAD exomes below 0.00001.
gnomAD v4.1: 2 of 1,606,946 alleles (0.00012%); highest among the groups gnomAD compares: South Asian, 0.0022%; no homozygotes.

Submission:

Neuberg Centre For Genomic Medicine, NCGM
Classification: Uncertain significance for Renal tubular acidosis, distal, 3, with or without sensorineural hearing loss. Review status: criteria provided, single submitter. Criteria: ACMG Guidelines, 2015. Collection method: clinical testing. Allele origin: germline. Inheritance: Autosomal recessive inheritance. Affected: yes.
Comment: The splice region variant c.196+4A>G in ATP6V0A4 (NM_020632.3) has not been reported previously as a pathogenic variant nor as a benign variant, to our knowledge. The c.196+4A>G variant is observed in 1/30,348 (0.0033%) alleles from individuals of South Asian background in gnomAD Exomes and is novel (not in any individuals) in 1000 Genomes. The c.196+4A>G variant is predicted to disrupt splicing by 3 of 4 splice site algorithms. The nucleotide c.196+4A>G in ATP6V0A4 is predicted conserved by GERP++ and PhyloP across 100 vertebrates. For these reasons, this variant has been classified as Uncertain Significance.

NM_020632.3(ATP6V0A4):c.196+4A>G

Gene: ATP6V0A4 (ATPase H+ transporting V0 subunit a4; minus strand). Cytogenetic location: 7q34.
Variant type: single nucleotide variant.
Coding change: c.196+4A>G on transcript NM_020632.3 (MANE Select); 4 bases into the intron after coding-DNA position 196, A replaced by G.
Molecular consequence: intron variant.
Genome position (GRCh38, 1-based): chr7:138,769,169, T>C on the plus strand (A>G on the coding strand, the complement: ATP6V0A4 is on the minus strand). VCF-style: chr7-138769169-T-C. GRCh37 (hg19) VCF-style: chr7-138453914-T-C.
Other names: c.196+4A>G (NM_130840.3, NM_130841.3).
Identifiers: ClinVar variation 2627463 (VCV002627463.1), dbSNP rs1163582373, ClinGen allele CA578207777.